The following is an entry in ClinVar:

ClinVar aggregate classification (germline): Uncertain significance (1 of 4 stars; one submission).

Conditions:
Becker muscular dystrophy (BMD). Also called: Becker Muscular Dystrophy (BMD); MUSCULAR DYSTROPHY, PSEUDOHYPERTROPHIC PROGRESSIVE, BECKER TYPE. Identifiers: Orphanet 98895, MedGen C0917713, MONDO:0010311, OMIM 300376.

Submission:

Foundation for Research in Genetics and Endocrinology, FRIGE's Institute of Human Genetics
Classification: Uncertain significance for Becker muscular dystrophy. Last evaluated: 2025-01-24. Review status: criteria provided, single submitter. Criteria: ACMG Guidelines, 2015. Collection method: clinical testing. Allele origin: germline. Inheritance: X-linked recessive inheritance. Affected: yes. Observed: 1 heterozygote.
Comment: A homozygous missense variant in exon 26 of the DMD gene that results in the amino acid substitution of Glutamine for Lysine at codon 1192 was detected. The observed variant c.3574G>A (p.Glu1192Lys) has a minor allele frequency of 0.0006% reported in gnomAD databases. The in silico prediction of the variant is possibly damaging by SIFT and has a CADD score of 27.7. In summary, the variant meets our criteria to be classified as uncertain significance.

NM_004006.3(DMD):c.3574G>A (p.Glu1192Lys)

Gene: DMD (dystrophin; minus strand). Cytogenetic location: Xp21.1.
Variant type: single nucleotide variant.
Coding change: c.3574G>A on transcript NM_004006.3 (MANE Select); coding-DNA position 3574, G replaced by A.
Protein change: p.Glu1192Lys; replaces glutamic acid 1192 with lysine.
Molecular consequence: missense variant.
Genome position (GRCh38, 1-based): chrX:32,454,691, C>T on the plus strand (G>A on the coding strand, the complement: DMD is on the minus strand). VCF-style: chrX-32454691-C-T. GRCh37 (hg19) VCF-style: chrX-32472808-C-T.
Other names: p.Glu1192Lys; c.3550G>A, p.Glu1184Lys (NM_000109.4); c.3562G>A, p.Glu1188Lys (NM_004009.3); c.3205G>A, p.Glu1069Lys (NM_004010.3); short protein forms E1069K, E1184K, E1188K, E1192K.
Identifiers: ClinVar variation 3767888 (VCV003767888.2).